The following is an entry in ClinVar:

NM_018943.3(TUBA8):c.1123G>A (p.Val375Ile)

Gene: TUBA8 (tubulin alpha 8; plus strand). Cytogenetic location: 22q11.21.
Variant type: single nucleotide variant.
Coding change: c.1123G>A on transcript NM_018943.3 (MANE Select); coding-DNA position 1123, G replaced by A.
Protein change: p.Val375Ile; replaces valine 375 with isoleucine.
Molecular consequence: missense variant.
Genome position (GRCh38, 1-based): chr22:18,130,909, G>A. VCF-style: chr22-18130909-G-A. GRCh37 (hg19) VCF-style: chr22-18613676-G-A.
Other names: c.925G>A, p.Val309Ile (NM_001193414.2); short protein forms V375I, V309I.
Identifiers: ClinVar variation 1980960 (VCV001980960.4), dbSNP rs200918752, ClinGen allele CA10093846.

ClinVar aggregate classification (germline): Uncertain significance (1 of 4 stars; one submission).

Allele frequency attached by ClinVar (database versions not stated): gnomAD exomes 0.00001; ExAC 0.00002; TOPMed 0.00002; gnomAD 0.00003.

Submission:

Labcorp Genetics (formerly Invitae), Labcorp
Classification: Uncertain significance. Last evaluated: 2024-09-12. Review status: criteria provided, single submitter. Criteria: Invitae Variant Classification Sherloc (09022015). Collection method: clinical testing. Allele origin: germline.
Comment: This sequence change replaces valine, which is neutral and non-polar, with isoleucine, which is neutral and non-polar, at codon 375 of the TUBA8 protein (p.Val375Ile). This variant is present in population databases (rs200918752, gnomAD 0.01%). This variant has not been reported in the literature in individuals affected with TUBA8-related conditions. ClinVar contains an entry for this variant (Variation ID: 1980960). Invitae Evidence Modeling of protein sequence and biophysical properties (such as structural, functional, and spatial information, amino acid conservation, physicochemical variation, residue mobility, and thermodynamic stability) has been performed for this missense variant. However, the output from this modeling did not meet the statistical confidence thresholds required to predict the impact of this variant on TUBA8 protein function. In summary, the available evidence is currently insufficient to determine the role of this variant in disease. Therefore, it has been classified as a Variant of Uncertain Significance.